The following is an entry in ClinVar:

ClinVar aggregate classification (germline): Uncertain significance (1 of 4 stars; one submission).

gnomAD v4.1: 5 of 1,536,324 alleles (0.00033%); highest among the groups gnomAD compares: Non-Finnish European, 0.00044%; no homozygotes.

Submission:

Labcorp Genetics (formerly Invitae), Labcorp
Classification: Uncertain significance. Last evaluated: 2024-07-23. Review status: criteria provided, single submitter. Criteria: Invitae Variant Classification Sherloc (09022015). Collection method: clinical testing. Allele origin: germline.
Comment: The FMN1 gene has multiple clinically relevant transcripts. This variant occurs in alternate transcript NM_001277314.1, and corresponds to NM_001103184.3:c.-85769C>G in the primary transcript. This sequence change replaces proline, which is neutral and non-polar, with arginine, which is basic and polar, at codon 421 of the FMN1 protein (p.Pro421Arg). This variant is not present in population databases (gnomAD no frequency). This variant has not been reported in the literature in individuals affected with FMN1-related conditions. Experimental studies and prediction algorithms are not available or were not evaluated, and the functional significance of this variant is currently unknown. In summary, the available evidence is currently insufficient to determine the role of this variant in disease. Therefore, it has been classified as a Variant of Uncertain Significance.

NM_001277313.2(FMN1):c.1262C>G (p.Pro421Arg)

Gene: FMN1 (formin 1; minus strand). Cytogenetic location: 15q13.3.
Variant type: single nucleotide variant.
Coding change: c.1262C>G on transcript NM_001277313.2 (MANE Select); coding-DNA position 1262, C replaced by G.
Protein change: p.Pro421Arg; replaces proline 421 with arginine.
Molecular consequence: missense variant.
Genome position (GRCh38, 1-based): chr15:33,153,653, G>C on the plus strand (C>G on the coding strand, the complement: FMN1 is on the minus strand). VCF-style: chr15-33153653-G-C. GRCh37 (hg19) VCF-style: chr15-33445854-G-C.
Other names: c.1262C>G, p.Pro421Arg (NM_001277314.2); short protein forms P421R.
Identifiers: ClinVar variation 3614132 (VCV003614132.2).